The following is an entry in ClinVar:

NM_000789.4(ACE):c.3363T>C (p.Ser1121=)

Gene: ACE (angiotensin I converting enzyme; plus strand). Cytogenetic location: 17q23.3.
Variant type: single nucleotide variant.
Coding change: c.3363T>C on transcript NM_000789.4 (MANE Select); coding-DNA position 3363, T replaced by C.
Protein change: p.Ser1121=; no amino-acid change (serine 1121 retained).
Molecular consequence: synonymous variant.
Genome position (GRCh38, 1-based): chr17:63,494,453, T>C. VCF-style: chr17-63494453-T-C. GRCh37 (hg19) VCF-style: chr17-61571814-T-C.
Other names: c.1641T>C, p.Ser547= (NM_001178057.2, NM_152830.3).
Identifiers: ClinVar variation 889650 (VCV000889650.11), dbSNP rs200201337, ClinGen allele CA8700458.
Genomic context (GRCh38, chr17:63,494,453, plus strand): 5'-CCCCCCAGTGCCCAGGACTCAAGGTGACTTTGACCCAGGGGCCAAGTTCCACATTCCTTC[T>C]AGCGTGCCTTACATCAGGTAACGGGAAAGGCAGGAGGGCACATTGTGAGGGGCAGTACCC-3'
Protein context (NP_000780.1, residues 1111-1131): FDPGAKFHIP[Ser1121=]SVPYIRYFVS

ClinVar aggregate classification (germline): Benign/Likely benign. Review status: criteria provided, multiple submitters, no conflicts (2 of 4 stars). 4 submissions from 4 submitters: Benign (1); Likely benign (3). Last evaluated 2026-01-18.

Conditions:
Renal tubular dysgenesis of genetic origin. Also called: PRIMITIVE RENAL TUBULE SYNDROME. Identifiers: Orphanet 97369, MedGen C5681536, MONDO:0009970, OMIM 267430.
Microvascular complications of diabetes, susceptibility to, 3. Identifiers: MedGen C2675470, MONDO:0012963, OMIM 612624.
Hemorrhage, intracerebral, susceptibility to (ICH). Also called: Stroke, hemorrhagic, susceptibility to. Identifiers: MedGen C3281105, MONDO:0100533, OMIM 614519.
Renal tubular dysgenesis. Also called: Renotubular dysgenesis. Identifiers: Orphanet 3033, MedGen C0266313, MONDO:0017609, HP:0008660.

Allele frequency attached by ClinVar (database versions not stated): gnomAD exomes 0.00015 and 0.00051; TOPMed 0.00031; gnomAD 0.00037 and 0.00040; ExAC 0.00053; 1000 Genomes Project 0.00060; 1000 Genomes Project 30x 0.00062.

Submissions (4):

Labcorp Genetics (formerly Invitae), Labcorp
Classification: Benign. Last evaluated: 2026-01-18. Review status: criteria provided, single submitter. Criteria: Invitae Variant Classification Sherloc (09022015). Collection method: clinical testing. Allele origin: germline.

Blueprint Genetics
Classification: Likely benign. Last evaluated: 2024-11-06. Review status: criteria provided, single submitter. Criteria: ACMG Guidelines, 2015. Collection method: clinical testing. Allele origin: germline.

Fulgent Genetics
Classification: Likely benign for Renal tubular dysgenesis of genetic origin; Microvascular complications of diabetes, susceptibility to, 3; Hemorrhage, intracerebral, susceptibility to. Last evaluated: 2022-01-08. Review status: criteria provided, single submitter. Criteria: ACMG Guidelines, 2015. Collection method: clinical testing. Allele origin: unknown.

Illumina Laboratory Services, Illumina
Classification: Likely benign for Renal tubular dysgenesis of genetic origin. Last evaluated: 2018-01-12. Review status: criteria provided, single submitter. Criteria: ICSL Variant Classification Criteria 13 December 2019. Collection method: clinical testing. Allele origin: germline.
Comment: This variant was observed in the ICSL laboratory as part of a predisposition screen in an ostensibly healthy population. It had not been previously curated by ICSL or reported in the Human Gene Mutation Database (HGMD: prior to June 1st, 2018), and was therefore a candidate for classification through an automated scoring system. Utilizing variant allele frequency, disease prevalence and penetrance estimates, and inheritance mode, an automated score was calculated to assess if this variant is too frequent to cause the disease. Based on the score and internal cut-off values, a variant classified as likely benign is not then subjected to further curation. The score for this variant resulted in a classification of likely benign for this disease.